The following is an entry in ClinVar:

ClinVar aggregate classification (germline): Likely pathogenic (1 of 4 stars; one submission).

Conditions:
Inborn genetic diseases. Identifiers: MedGen C0950123, MeSH D030342.

Submission:

Ambry Genetics
Classification: Likely pathogenic for Inborn genetic diseases. Last evaluated: 2025-07-08. Review status: criteria provided, single submitter. Criteria: Ambry Variant Classification Scheme 2023. Collection method: clinical testing. Allele origin: germline.
Comment: The c.3331G>A (p.G1111R) alteration is located in exon 12 (coding exon 12) of the ARID1B gene. This alteration results from a G to A substitution at nucleotide position 3331, causing the glycine (G) at amino acid position 1111 to be replaced by an arginine (R). This variant was not reported in population-based cohorts in the Genome Aggregation Database (gnomAD). This variant was reported in at least one individual with features consistent with ARID1B-related Coffin-Siris syndrome (Levy, 2022). Additionally, another variant at the same codon, c.3332G>A (p.G1111E), has been identified in an individual with features consistent with ARID1B-related Coffin-Siris syndrome (Morgan, 2015). This amino acid position is highly conserved in available vertebrate species. This missense alteration is located in a region that has a low rate of benign missense variation (Lek, 2016; Firth, 2009). This alteration is predicted to be deleterious by in silico analysis. Based on the available evidence, this alteration is classified as likely pathogenic.

Literature cited by the submitters: PubMed 26411299; PubMed 35904121.

NM_020732.3:c.3331G>A

Gene: ARID1B (AT-rich interaction domain 1B; plus strand).
Variant type: single nucleotide variant.
Other names: c.3331G>A (NM_020732.3).
Identifiers: ClinVar variation 4143627 (VCV004143627.1).